The following is an entry in ClinVar:

ClinVar aggregate classification (germline): Pathogenic (1 of 4 stars; one submission).

Conditions:
Arrhythmogenic right ventricular dysplasia 9 (ARVD9). Also called: Arrhythmogenic Right Ventricular Dysplasia/Cardiomyopathy 9; ARRHYTHMOGENIC RIGHT VENTRICULAR DYSPLASIA, FAMILIAL, 9. Identifiers: MedGen C1836906, MONDO:0012180, OMIM 609040.

Submission:

Labcorp Genetics (formerly Invitae), Labcorp
Classification: Pathogenic for Arrhythmogenic right ventricular dysplasia 9. Last evaluated: 2021-08-23. Review status: criteria provided, single submitter. Criteria: Invitae Variant Classification Sherloc (09022015). Collection method: clinical testing. Allele origin: germline.
Comment: For these reasons, this variant has been classified as Pathogenic. This variant has not been reported in the literature in individuals with PKP2-related conditions. This variant is not present in population databases (ExAC no frequency). This sequence change creates a premature translational stop signal (p.Asn254Glufs*78) in the PKP2 gene. It is expected to result in an absent or disrupted protein product. Loss-of-function variants in PKP2 are known to be pathogenic (PMID: 15489853, 23911551).

Literature cited by the submitters: PubMed 15489853; PubMed 23911551.

NM_001005242.3(PKP2):c.759_769del (p.Asn254fs)

Gene: PKP2 (plakophilin 2; minus strand). Cytogenetic location: 12p11.21.
Variant type: Deletion.
Coding change: c.759_769del on transcript NM_001005242.3 (MANE Select); coding-DNA positions 759 to 769, 11 bases deleted (CAACCTCTTGG).
Protein change: p.Asn254fs; shifts the reading frame from asparagine 254.
Molecular consequence: frameshift variant.
Genome position (GRCh38, 1-based): chr12:32,878,111-32,878,121, CCAAGAGGTTG deleted on the plus strand (CAACCTCTTGG on the coding strand, the reverse complement: PKP2 is on the minus strand); deleting any 11 consecutive bases within chr12:32,878,111-32,878,123 gives the same sequence; the c. name uses the placement nearest the transcript's 3' end. VCF-style (leftmost placement, unchanged base first): chr12-32878110-TCCAAGAGGTTG-T. GRCh37 (hg19) VCF-style: chr12-33031044-TCCAAGAGGTTG-T.
Other names: c.759_769del, p.Asn254fs (NM_004572.4); short protein forms N254fs.
Identifiers: ClinVar variation 1380244 (VCV001380244.6), dbSNP rs2137948074, ClinGen allele CA2573148523.